The following is an entry in ClinVar:

NM_001164508.2(NEB):c.7603C>A (p.Pro2535Thr)

Gene: NEB (nebulin; minus strand). Cytogenetic location: 2q23.3.
Variant type: single nucleotide variant.
Coding change: c.7603C>A on transcript NM_001164508.2 (MANE Select); coding-DNA position 7603, C replaced by A.
Protein change: p.Pro2535Thr; replaces proline 2535 with threonine.
Molecular consequence: missense variant.
Genome position (GRCh38, 1-based): chr2:151,644,509, G>T on the plus strand (C>A on the coding strand, the complement: NEB is on the minus strand). VCF-style: chr2-151644509-G-T. GRCh37 (hg19) VCF-style: chr2-152501023-G-T.
Other names: c.7603C>A, p.Pro2535Thr (NM_004543.5, NM_001164507.2, NM_001271208.2); short protein forms P2535T.
Identifiers: ClinVar variation 2128364 (VCV002128364.1), dbSNP rs2552247674, ClinGen allele CA348783127.

ClinVar aggregate classification (germline): Uncertain significance (1 of 4 stars; one submission).

Conditions:
Nemaline myopathy 2 (NEM2). Also called: Nemaline myopathy 2, autosomal recessive. Identifiers: MedGen C1850569, MONDO:0009725, OMIM 256030.

Allele frequency attached by ClinVar (database versions not stated): gnomAD exomes below 0.00001.
gnomAD v4.1: 5 of 1,613,894 alleles (0.00031%); highest among the groups gnomAD compares: Non-Finnish European, 0.00042%; no homozygotes.

Submission:

Labcorp Genetics (formerly Invitae), Labcorp
Classification: Uncertain significance for Nemaline myopathy 2. Last evaluated: 2022-04-20. Review status: criteria provided, single submitter. Criteria: Invitae Variant Classification Sherloc (09022015). Collection method: clinical testing. Allele origin: germline.
Comment: This sequence change replaces proline, which is neutral and non-polar, with threonine, which is neutral and polar, at codon 2535 of the NEB protein (p.Pro2535Thr). This variant is not present in population databases (gnomAD no frequency). This variant has not been reported in the literature in individuals affected with NEB-related conditions. Algorithms developed to predict the effect of missense changes on protein structure and function are either unavailable or do not agree on the potential impact of this missense change (SIFT: "Deleterious"; PolyPhen-2: "Not Available"; Align-GVGD: "Class C0"). In summary, the available evidence is currently insufficient to determine the role of this variant in disease. Therefore, it has been classified as a Variant of Uncertain Significance.